The following is an entry in ClinVar:

NM_015346.4(ZFYVE26):c.4962T>A (p.Tyr1654Ter)

Gene: ZFYVE26 (zinc finger FYVE-type containing 26; minus strand). Cytogenetic location: 14q24.1.
Variant type: single nucleotide variant.
Coding change: c.4962T>A on transcript NM_015346.4 (MANE Select); coding-DNA position 4962, T replaced by A.
Protein change: p.Tyr1654Ter; replaces tyrosine 1654 with a stop codon.
Molecular consequence: nonsense.
Genome position (GRCh38, 1-based): chr14:67,777,571, A>T on the plus strand (T>A on the coding strand, the complement: ZFYVE26 is on the minus strand). VCF-style: chr14-67777571-A-T. GRCh37 (hg19) VCF-style: chr14-68244288-A-T.
Other names: short protein forms Y1654*.
Identifiers: ClinVar variation 1726969 (VCV001726969.2), dbSNP rs2502788913, ClinGen allele CA390168625.
Genomic context (GRCh38, chr14:67,777,571, plus strand): 5'-TACCTTGGATCCCACATACAGCGCCTGGATTTCACGGTGTATCCTTACCTTGGATCCCAC[A>T]TACAGCGCCTGGATTTCACGGTGTCGGACAGCAGTCAGTTGTCCATAGAAGTGGGTGGTG-3'

ClinVar aggregate classification (germline): Likely pathogenic (1 of 4 stars; one submission).

Conditions:
Hereditary spastic paraplegia 15 (SPG15). Also called: SPASTIC PARAPLEGIA 15, AUTOSOMAL RECESSIVE; KJELLIN SYNDROME; SPASTIC PARAPLEGIA AND RETINAL DEGENERATION. Identifiers: Orphanet 100996, MedGen C1849128, MONDO:0010044, OMIM 270700.

Submission:

Myriad Genetics, Inc.
Classification: Likely pathogenic for Hereditary spastic paraplegia 15. Last evaluated: 2022-01-02. Review status: criteria provided, single submitter. Criteria: Myriad Women's Health Autosomal Recessive and X-Linked Classification Criteria (2021). Collection method: clinical testing. Allele origin: unknown.
Comment: NM_015346.3(ZFYVE26):c.4962T>A(Y1654*) is expected to be pathogenic in the context of spastic paraplegia type 15. This variant is predicted to lead to an abnormal or absent protein product due to the creation of a premature termination codon in ZFYVE26, a gene where loss-of-function variants are known to be pathogenic. Please note: this variant was assessed in the context of healthy population screening.